The following is an entry in ClinVar:

ClinVar aggregate classification (germline): Uncertain significance (1 of 4 stars; one submission).

Submission:

Labcorp Genetics (formerly Invitae), Labcorp
Classification: Uncertain significance. Last evaluated: 2023-12-09. Review status: criteria provided, single submitter. Criteria: Invitae Variant Classification Sherloc (09022015). Collection method: clinical testing. Allele origin: germline.
Comment: This sequence change falls in intron 6 of the IL6R gene. It does not directly change the encoded amino acid sequence of the IL6R protein. This variant is not present in population databases (gnomAD no frequency). This variant has not been reported in the literature in individuals affected with IL6R-related conditions. Algorithms developed to predict the effect of sequence changes on RNA splicing suggest that this variant may create or strengthen a splice site. In summary, the available evidence is currently insufficient to determine the role of this variant in disease. Therefore, it has been classified as a Variant of Uncertain Significance.

NM_000565.4(IL6R):c.949+12G>A

Gene: IL6R (interleukin 6 receptor; plus strand). Cytogenetic location: 1q21.3.
Variant type: single nucleotide variant.
Coding change: c.949+12G>A on transcript NM_000565.4 (MANE Select); 12 bases into the intron after coding-DNA position 949, G replaced by A.
Molecular consequence: intron variant.
Genome position (GRCh38, 1-based): chr1:154,436,122, G>A. VCF-style: chr1-154436122-G-A. GRCh37 (hg19) VCF-style: chr1-154408598-G-A.
Other names: c.949+12G>A (NM_001382771.1, NM_001382773.1, NM_001382770.1 and 3 more transcripts); c.943+12G>A (NM_001382772.1); c.589+12G>A (NM_001382774.1).
Identifiers: ClinVar variation 2701641 (VCV002701641.3), dbSNP rs2525514022, ClinGen allele CA2697554562.